The following is an entry in ClinVar:

ClinVar aggregate classification (germline): Uncertain significance (1 of 4 stars; one submission).

Allele frequency attached by ClinVar (database versions not stated): TOPMed below 0.00001; gnomAD exomes below 0.00001.

Submission:

Labcorp Genetics (formerly Invitae), Labcorp
Classification: Uncertain significance. Last evaluated: 2022-09-30. Review status: criteria provided, single submitter. Criteria: Invitae Variant Classification Sherloc (09022015). Collection method: clinical testing. Allele origin: germline.
Comment: In summary, the available evidence is currently insufficient to determine the role of this variant in disease. Therefore, it has been classified as a Variant of Uncertain Significance. Algorithms developed to predict the effect of missense changes on protein structure and function are either unavailable or do not agree on the potential impact of this missense change (SIFT: "Deleterious"; PolyPhen-2: "Not Available"; Align-GVGD: "Class C65"). This variant has not been reported in the literature in individuals affected with POLR3F-related conditions. This variant is present in population databases (no rsID available, gnomAD 0.003%). This sequence change replaces glycine, which is neutral and non-polar, with glutamic acid, which is acidic and polar, at codon 65 of the POLR3F protein (p.Gly65Glu).

NM_006466.4(POLR3F):c.317G>A (p.Gly106Glu)

Gene: POLR3F (RNA polymerase III subunit F; plus strand). Cytogenetic location: 20p11.23.
Variant type: single nucleotide variant.
Coding change: c.317G>A on transcript NM_006466.4 (MANE Select); coding-DNA position 317, G replaced by A.
Protein change: p.Gly106Glu; replaces glycine 106 with glutamic acid.
Molecular consequence: missense variant. On other transcripts: non-coding transcript variant (1).
Genome position (GRCh38, 1-based): chr20:18,475,075, G>A. VCF-style: chr20-18475075-G-A. GRCh37 (hg19) VCF-style: chr20-18455719-G-A.
Other names: c.194G>A, p.Gly65Glu (NM_001282526.2); c.317G>A, p.Gly106Glu (NM_001410821.1); short protein forms G106E, G65E.
Identifiers: ClinVar variation 2133059 (VCV002133059.4), dbSNP rs1158198887, ClinGen allele CA408351932.
Genomic context (GRCh38, chr20:18,475,075, plus strand): 5'-AATAACATTAAAAATCCATGAAAACCAGAGTTCAACTTATTTTACTTTACTTTCTTATAG[G>A]AATATGGAGCAGAGATATCCGCTATAAAAGTAATTTGCCATTAACAGAAATCAACAAAAT-3'
Protein context (NP_006457.2, residues 96-116): YQIIEDAGNK[Gly106Glu]IWSRDIRYKS